The following is an entry in ClinVar:

ClinVar aggregate classification (germline): Benign/Likely benign. Review status: criteria provided, multiple submitters, no conflicts (2 of 4 stars). 5 submissions from 5 submitters: Benign (3); Likely benign (1). 1 of the submissions does not count toward it. Last evaluated 2026-06-01.

Conditions:
ARPC1B-related disorder. Also called: ARPC1B-related condition.

Allele frequency attached by ClinVar (database versions not stated): ESP Exome Variant Server 0.00008; ExAC 0.00018; gnomAD exomes 0.00025 and 0.00095; 1000 Genomes Project 0.00080; 1000 Genomes Project 30x 0.00094; TOPMed 0.00216; gnomAD 0.00232 and 0.00237.
gnomAD v4.1: 706 of 1,613,444 alleles (0.044%); highest among the groups gnomAD compares: Admixed American, 1.2%; 19 homozygotes.

Submissions (7):

CeGaT Center for Human Genetics Tuebingen
Classification: Benign. Last evaluated: 2026-06-01. Review status: criteria provided, single submitter. Criteria: CeGaT Center For Human Genetics Tuebingen Variant Classification Criteria Version 2. Collection method: clinical testing. Allele origin: germline. Affected: yes. Observed: 1 variant allele.
Comment: ARPC1B: BP4, BS1, BS2

Labcorp Genetics (formerly Invitae), Labcorp
Classification: Benign. Last evaluated: 2026-01-08. Review status: criteria provided, single submitter. Criteria: Invitae Variant Classification Sherloc (09022015). Collection method: clinical testing. Allele origin: germline.

Blueprint Genetics
Classification: Likely benign. Last evaluated: 2024-11-25. Review status: criteria provided, single submitter. Criteria: ACMG Guidelines, 2015. Collection method: clinical testing. Allele origin: germline.

Breakthrough Genomics
Classification: Benign. Review status: criteria provided, single submitter. Criteria: ACMG Guidelines, 2015. Collection method: not provided. Allele origin: germline. Inheritance: Autosomal recessive inheritance. Affected: yes.

PreventionGenetics, part of Exact Sciences
Classification: Likely benign for ARPC1B-related condition. Last evaluated: 2019-11-12. Review status: no assertion criteria provided. Collection method: clinical testing. Allele origin: germline. Not counted in ClinVar's aggregate classification.
Comment: This variant is classified as likely benign based on ACMG/AMP sequence variant interpretation guidelines (Richards et al. 2015 PMID: 25741868, with internal and published modifications).

Dr. Peter K. Rogan Lab, Western University
No classification provided (evidence only). Condition: Cervical cancer. Review status: no classification provided. Collection method: in vitro. Allele origin: not applicable. Functional consequence: retained intron. Not counted in ClinVar's aggregate classification.

Dr. Peter K. Rogan Lab, Western University
No classification provided (evidence only). Condition: Cervical cancer. Review status: no classification provided. Collection method: in vitro. Allele origin: not applicable. Functional consequence: retained intron. Not counted in ClinVar's aggregate classification.

NM_005720.4(ARPC1B):c.1081-3C>T

Gene: ARPC1B (actin related protein 2/3 complex subunit 1B; plus strand). Cytogenetic location: 7q22.1.
Variant type: single nucleotide variant.
Coding change: c.1081-3C>T on transcript NM_005720.4 (MANE Select); 3 bases into the intron before coding-DNA position 1081, C replaced by T.
Molecular consequence: intron variant.
Genome position (GRCh38, 1-based): chr7:99,394,448, C>T. VCF-style: chr7-99394448-C-T. GRCh37 (hg19) VCF-style: chr7-98992071-C-T.
Other names: c.1081-3C>T (NM_005720.3).
Identifiers: ClinVar variation 1170868 (VCV001170868.16), dbSNP rs189323739, ClinGen allele CA4364238.